The following is an entry in ClinVar:

ClinVar aggregate classification (germline): Likely pathogenic (1 of 4 stars; one submission).

Conditions:
Werner syndrome (WRN). Identifiers: Orphanet 902, MedGen C0043119, MONDO:0010196, OMIM 277700.

Submission:

Labcorp Genetics (formerly Invitae), Labcorp
Classification: Likely pathogenic for Werner syndrome. Last evaluated: 2019-11-13. Review status: criteria provided, single submitter. Criteria: Invitae Variant Classification Sherloc (09022015). Collection method: clinical testing. Allele origin: germline.
Comment: This variant results in the deletion of exons 4-17 and part of exon 3 (c.201_1982-1582delinsT) of the WRN gene. It is expected to disrupt RNA splicing and likely results in an absent or disrupted protein product. This variant has not been reported in the literature in individuals with WRN-related conditions. Loss-of-function variants in WRN are known to be pathogenic (PMID: 16673358). In summary, the currently available evidence indicates that the variant is pathogenic, but additional data are needed to prove that conclusively. Therefore, this variant has been classified as Likely Pathogenic.

NC_000008.11:g.31059257_31099267del

Gene: WRN (WRN RecQ like helicase; plus strand). Cytogenetic location: 8p12.
Variant type: Deletion.
Identifiers: ClinVar variation 962608 (VCV000962608.1).